The following is an entry in ClinVar:

NM_003242.6(TGFBR2):c.95-20A>G

Gene: TGFBR2 (transforming growth factor beta receptor 2; plus strand). Cytogenetic location: 3p24.1.
Variant type: single nucleotide variant.
Coding change: c.95-20A>G on transcript NM_003242.6 (MANE Select); 20 bases into the intron before coding-DNA position 95, A replaced by G.
Molecular consequence: intron variant.
Genome position (GRCh38, 1-based): chr3:30,644,727, A>G. VCF-style: chr3-30644727-A-G. GRCh37 (hg19) VCF-style: chr3-30686219-A-G.
Other names: c.-11-20A>G (NM_001407129.1, NM_001407132.1, NM_001407136.1 and 3 more transcripts); c.170-20A>G (NM_001407126.1, NM_001024847.3, NM_001407139.1); c.169+21454A>G (NM_001407137.1); c.95-20A>G (NM_001407127.1, NM_001407130.1); c.95-26911A>G (NM_001407138.1); c.122-20A>G (NM_001407128.1).
Identifiers: ClinVar variation 391191 (VCV000391191.9), dbSNP rs371326218, ClinGen allele CA050573.

ClinVar aggregate classification (germline): Likely benign. Review status: criteria provided, multiple submitters, no conflicts (2 of 4 stars). 3 submissions from 3 submitters: Likely benign (3). Last evaluated 2026-02-02.

Conditions:
Familial thoracic aortic aneurysm and aortic dissection (TAAD). Also called: Thoracic aortic aneurysms and dissections. Identifiers: Orphanet 91387, MedGen C4707243, MONDO:0019625.
Diabetic retinopathy. Identifiers: MedGen C0011884, MONDO:0005266.

Allele frequency attached by ClinVar (database versions not stated): gnomAD exomes 0.00005 and 0.00006; ExAC 0.00007; gnomAD 0.00010; TOPMed 0.00011; ESP Exome Variant Server 0.00023.
gnomAD v4.1: 94 of 1,612,680 alleles (0.0058%); highest among the groups gnomAD compares: East Asian, 0.042%; no homozygotes.

Submissions (3):

Labcorp Genetics (formerly Invitae), Labcorp
Classification: Likely benign for Familial thoracic aortic aneurysm and aortic dissection. Last evaluated: 2026-02-02. Review status: criteria provided, single submitter. Criteria: Invitae Variant Classification Sherloc (09022015). Collection method: clinical testing. Allele origin: germline.

GeneDx
Classification: Likely benign. Last evaluated: 2016-11-30. Review status: criteria provided, single submitter. Criteria: GeneDx Variant Classification (06012015). Collection method: clinical testing. Allele origin: germline. Affected: yes.
Comment: This variant is considered likely benign or benign based on one or more of the following criteria: it is a conservative change, it occurs at a poorly conserved position in the protein, it is predicted to be benign by multiple in silico algorithms, and/or has population frequency not consistent with disease.

Clinical Genomics, Uppaluri K&H Personalized Medicine Clinic
Classification: Likely benign for Diabetic retinopathy. Review status: criteria provided, single submitter. Criteria: K And H Uppaluri Personalized Medicine Clinic Variant Classification And Assertion Criteria Updated V 2. Collection method: research. Allele origin: unknown.
Comment: Potent mutations in TGFBR2 gene encodes the transforming growth factor that have been associated with angiogenesis and diabetic retinopathy. More clinical studies are needed for stronger association. However, more evidence is required to confer the association of this particular variant rs371326218 with diabetic retinopathy.

Literature cited by the submitters: PubMed 30222965 (cited by Clinical Genomics, Uppaluri K&H Personalized Medicine Clinic); PubMed 28162229 (cited by Clinical Genomics, Uppaluri K&H Personalized Medicine Clinic); PubMed 34572573 (cited by Clinical Genomics, Uppaluri K&H Personalized Medicine Clinic).